The following is an entry in ClinVar:

ClinVar aggregate classification (germline): Uncertain significance (1 of 4 stars; one submission).

Conditions:
POMC-related disorder. Also called: POMC-related disorders; POMC-related condition.

Submission:

PreventionGenetics, part of Exact Sciences
Classification: Uncertain significance for POMC-related condition. Last evaluated: 2025-10-23. Review status: criteria provided, single submitter. Criteria: ACMG Guidelines, 2015. Collection method: clinical testing. Allele origin: germline.
Comment: The POMC c.516C>G variant is predicted to result in the amino acid substitution p.Phe172Leu. This variant was observed in a cohort of individuals with obesity, and in vitro functional studies showed function similar to wild-type levels (Supplemental Data Set, Shah et al. 2023. PubMed ID: 36864747). This variant has not been reported in a large population database (gnomAD), indicating this variant is rare. At this time, the clinical significance of this variant is uncertain due to the absence of conclusive functional and genetic evidence.

NM_000939.4(POMC):c.516C>G (p.Phe172Leu)

Gene: POMC (proopiomelanocortin; minus strand). Cytogenetic location: 2p23.3.
Variant type: single nucleotide variant.
Coding change: c.516C>G on transcript NM_000939.4 (MANE Select); coding-DNA position 516, C replaced by G.
Protein change: p.Phe172Leu; replaces phenylalanine 172 with leucine.
Molecular consequence: missense variant.
Genome position (GRCh38, 1-based): chr2:25,161,369, G>C on the plus strand (C>G on the coding strand, the complement: POMC is on the minus strand). VCF-style: chr2-25161369-G-C. GRCh37 (hg19) VCF-style: chr2-25384238-G-C.
Other names: c.516C>G, p.Phe172Leu (NM_001035256.3, NM_001319204.2, NM_001319205.2); short protein forms F172L.
Identifiers: ClinVar variation 3358044 (VCV003358044.2).